The following is an entry in ClinVar:

ClinVar aggregate classification (germline): Likely benign (1 of 4 stars; one submission).

Conditions:
ADCY3-related disorder. Also called: ADCY3-related condition.

Submission:

PreventionGenetics, part of Exact Sciences
Classification: Likely benign for ADCY3-related condition. Last evaluated: 2026-09-10. Review status: criteria provided, single submitter. Criteria: ACMG Guidelines, 2015. Collection method: clinical testing. Allele origin: germline.
Comment: This variant is classified as likely benign based on ACMG/AMP sequence variant interpretation guidelines (Richards et al. 2015 PMID: 25741868, with internal and published modifications).

NM_004036.5(ADCY3):c.474C>T (p.Asn158=)

Gene: ADCY3 (adenylate cyclase 3; minus strand). Cytogenetic location: 2p23.3.
Variant type: single nucleotide variant.
Coding change: c.474C>T on transcript NM_004036.5 (MANE Select); coding-DNA position 474, C replaced by T.
Protein change: p.Asn158=; no amino-acid change (asparagine 158 retained).
Molecular consequence: synonymous variant.
Genome position (GRCh38, 1-based): chr2:24,918,514, G>A on the plus strand (C>T on the coding strand, the complement: ADCY3 is on the minus strand). VCF-style: chr2-24918514-G-A. GRCh37 (hg19) VCF-style: chr2-25141383-G-A.
Other names: c.474C>T, p.Asn158= (NM_001320613.2, NM_001377128.1, NM_001377129.1 and 2 more transcripts).
Identifiers: ClinVar variation 4993800 (VCV004993800.1).